The following is an entry in ClinVar:

NM_001271938.2(MEGF8):c.1514-4C>T

Gene: MEGF8 (multiple EGF like domains 8; plus strand). Cytogenetic location: 19q13.2.
Variant type: single nucleotide variant.
Coding change: c.1514-4C>T on transcript NM_001271938.2 (MANE Select); 4 bases into the intron before coding-DNA position 1514, C replaced by T.
Molecular consequence: intron variant.
Genome position (GRCh38, 1-based): chr19:42,343,473, C>T. VCF-style: chr19-42343473-C-T. GRCh37 (hg19) VCF-style: chr19-42847625-C-T.
Other names: c.1514-4C>T (NM_001410.3).
Identifiers: ClinVar variation 757909 (VCV000757909.5), dbSNP rs755380059, ClinGen allele CA9474479.
Genomic context (GRCh38, chr19:42,343,473, plus strand): 5'-GAGCCATGGAGGTGGTGGAGGGGCTGGGGGTCTAATAATGTCATTGGGGTCTCTATTCCC[C>T]TAGGCCGAGCAGCGCCTCCCAGTGGTCGGTACTCACATGTAGCTGCGGTGCTTGGTGGCA-3'

ClinVar aggregate classification (germline): Likely benign. Review status: criteria provided, single submitter (1 of 4 stars). 2 submissions from 2 submitters: Likely benign (1). 1 of the submissions does not count toward it. Last evaluated 2018-07-27.

Conditions:
MEGF8-related disorder. Also called: MEGF8-related condition.

Allele frequency attached by ClinVar (database versions not stated): gnomAD 0.00001; gnomAD exomes 0.00001; ExAC 0.00002; TOPMed 0.00002.
gnomAD v4.1: 6 of 1,595,552 alleles (0.00038%); highest among the groups gnomAD compares: South Asian, 0.0011%; no homozygotes.

Submissions (2):

Labcorp Genetics (formerly Invitae), Labcorp
Classification: Likely benign. Last evaluated: 2018-07-27. Review status: criteria provided, single submitter. Criteria: Invitae Variant Classification Sherloc (09022015). Collection method: clinical testing. Allele origin: germline.

PreventionGenetics, part of Exact Sciences
Classification: Likely benign for MEGF8-related condition. Last evaluated: 2019-04-08. Review status: no assertion criteria provided. Collection method: clinical testing. Allele origin: germline. Not counted in ClinVar's aggregate classification.
Comment: This variant is classified as likely benign based on ACMG/AMP sequence variant interpretation guidelines (Richards et al. 2015 PMID: 25741868, with internal and published modifications).